The following is an entry in ClinVar:

NM_024747.6(HPS6):c.1378C>T (p.Arg460Trp)

Gene: HPS6 (HPS6 biogenesis of lysosomal organelles complex 2 subunit 3; plus strand). Cytogenetic location: 10q24.32.
Variant type: single nucleotide variant.
Coding change: c.1378C>T on transcript NM_024747.6 (MANE Select); coding-DNA position 1378, C replaced by T.
Protein change: p.Arg460Trp; replaces arginine 460 with tryptophan.
Molecular consequence: missense variant.
Genome position (GRCh38, 1-based): chr10:102,066,852, C>T. VCF-style: chr10-102066852-C-T. GRCh37 (hg19) VCF-style: chr10-103826609-C-T.
Other names: short protein forms R460W.
Identifiers: ClinVar variation 1963541 (VCV001963541.2), dbSNP rs201358051, ClinGen allele CA5659974.
Genomic context (GRCh38, chr10:102,066,852, plus strand): 5'-TCCATCCTCCAGGGCCACCTGCCCCCATCTGCACTGCTGACCATGTTGAGGACCGAGCTT[C>T]GGGATTACCGAGGCTTAGAACAGCTGAAGGCCCAGCTGGTGGCTGGGGATGATGAGGAGG-3'
Protein context (NP_079023.2, residues 450-470): ALLTMLRTEL[Arg460Trp]DYRGLEQLKA

ClinVar aggregate classification (germline): Uncertain significance (1 of 4 stars; one submission).

Allele frequency attached by ClinVar (database versions not stated): TOPMed 0.00002; ExAC 0.00003; gnomAD 0.00003; 1000 Genomes Project 30x 0.00016; 1000 Genomes Project 0.00020.
gnomAD v4.1: 32 of 1,614,172 alleles (0.002%); highest among the groups gnomAD compares: South Asian, 0.011%; no homozygotes.

Submission:

Labcorp Genetics (formerly Invitae), Labcorp
Classification: Uncertain significance. Last evaluated: 2022-05-24. Review status: criteria provided, single submitter. Criteria: Invitae Variant Classification Sherloc (09022015). Collection method: clinical testing. Allele origin: germline.
Comment: This sequence change replaces arginine, which is basic and polar, with tryptophan, which is neutral and slightly polar, at codon 460 of the HPS6 protein (p.Arg460Trp). This variant is present in population databases (rs201358051, gnomAD 0.01%). This variant has not been reported in the literature in individuals affected with HPS6-related conditions. Algorithms developed to predict the effect of missense changes on protein structure and function (SIFT, PolyPhen-2, Align-GVGD) all suggest that this variant is likely to be disruptive. In summary, the available evidence is currently insufficient to determine the role of this variant in disease. Therefore, it has been classified as a Variant of Uncertain Significance.